The following is an entry in ClinVar:

ClinVar aggregate classification (germline): Conflicting classifications of pathogenicity. Review status: criteria provided, conflicting classifications (1 of 4 stars). 4 submissions from 4 submitters: Uncertain significance (1); Likely benign (3). Last evaluated 2025-11-01.

Conditions:
TTN-related disorder. Also called: TTN-related condition; TTN-related disease; TTN-related disorders.
Autosomal recessive limb-girdle muscular dystrophy type 2J (LGMDR10). Also called: Limb-girdle muscular dystrophy, type 2J; MUSCULAR DYSTROPHY, LIMB-GIRDLE, AUTOSOMAL RECESSIVE 10. Identifiers: Orphanet 140922, MedGen C1837342, MONDO:0012127, OMIM 608807.
Dilated cardiomyopathy 1G (CMD1G). Identifiers: Orphanet 154, MedGen C1858763, MONDO:0011400, OMIM 604145.
Hypertrophic cardiomyopathy. Also called: HYPERTROPHIC MYOCARDIOPATHY. Identifiers: Orphanet 217569, MedGen C0007194, MeSH D002312, MONDO:0005045, HP:0001639.

Allele frequency attached by ClinVar (database versions not stated): gnomAD below 0.00001 and 0.00003; TOPMed 0.00001; ExAC 0.00010; gnomAD exomes 0.00011; 1000 Genomes Project 30x 0.00031; 1000 Genomes Project 0.00040.
gnomAD v4.1: 61 of 1,613,478 alleles (0.0038%); highest among the groups gnomAD compares: South Asian, 0.052%; no homozygotes.

Submissions (4):

Labcorp Genetics (formerly Invitae), Labcorp
Classification: Likely benign for Dilated cardiomyopathy 1G; Autosomal recessive limb-girdle muscular dystrophy type 2J. Last evaluated: 2025-11-01. Review status: criteria provided, single submitter. Criteria: Invitae Variant Classification Sherloc (09022015). Collection method: clinical testing. Allele origin: germline.

PreventionGenetics, part of Exact Sciences
Classification: Uncertain significance for TTN-related condition. Last evaluated: 2025-02-26. Review status: criteria provided, single submitter. Criteria: ACMG Guidelines, 2015. Collection method: clinical testing. Allele origin: germline.
Comment: The TTN c.39020A>C variant is predicted to result in the amino acid substitution p.Lys13007Thr. To our knowledge, this variant has not been reported in the literature. This variant is reported in 0.078% of alleles in individuals of South Asian descent in gnomAD. Although we suspect that this variant may be benign, at this time, the clinical significance of this variant is uncertain due to the absence of conclusive functional and genetic evidence.

Blueprint Genetics
Classification: Likely benign. Last evaluated: 2023-12-29. Review status: criteria provided, single submitter. Criteria: ACMG Guidelines, 2015. Collection method: clinical testing. Allele origin: germline.

Genetics and Genomics Program, Sidra Medicine
Classification: Likely benign for Hypertrophic cardiomyopathy. Review status: criteria provided, single submitter. Criteria: ACMG Guidelines, 2015. Collection method: research. Allele origin: unknown. Affected: yes. Observed: 1 variant allele.

NM_001267550.2(TTN):c.39020A>C (p.Lys13007Thr)

Gene: TTN (titin; minus strand). Cytogenetic location: 2q31.2.
Variant type: single nucleotide variant.
Coding change: c.39020A>C on transcript NM_001267550.2 (MANE Select); coding-DNA position 39020, A replaced by C.
Protein change: p.Lys13007Thr; replaces lysine 13007 with threonine.
Molecular consequence: missense variant. On other transcripts: intron variant (5).
Genome position (GRCh38, 1-based): chr2:178,652,676, T>G on the plus strand (A>C on the coding strand, the complement: TTN is on the minus strand). VCF-style: chr2-178652676-T-G. GRCh37 (hg19) VCF-style: chr2-179517403-T-G.
Other names: c.13283-10359A>C (NM_003319.4); c.13859-10359A>C (NM_133437.4); c.13658-10359A>C (NM_133432.3); c.31742-135A>C (NM_133378.4); c.34523-135A>C (NM_001256850.1); short protein forms K13007T.
Identifiers: ClinVar variation 733526 (VCV000733526.15), dbSNP rs532069408, ClinGen allele CA1996912.